The following is an entry in ClinVar:

NM_000057.4(BLM):c.1360A>C (p.Asn454His)

Gene: BLM (BLM RecQ like helicase; plus strand). Cytogenetic location: 15q26.1.
Variant type: single nucleotide variant.
Coding change: c.1360A>C on transcript NM_000057.4 (MANE Select); coding-DNA position 1360, A replaced by C.
Protein change: p.Asn454His; replaces asparagine 454 with histidine.
Molecular consequence: missense variant.
Genome position (GRCh38, 1-based): chr15:90,760,733, A>C. VCF-style: chr15-90760733-A-C. GRCh37 (hg19) VCF-style: chr15-91303963-A-C.
Other names: c.1360A>C, p.Asn454His (NM_001287246.2, NM_001287247.2); c.235A>C, p.Asn79His (NM_001287248.2); short protein forms N454H, N79H.
Identifiers: ClinVar variation 1770823 (VCV001770823.7), dbSNP rs2505425019, ClinGen allele CA393842891.

ClinVar aggregate classification (germline): Uncertain significance. Review status: criteria provided, multiple submitters, no conflicts (2 of 4 stars). 2 submissions from 2 submitters: Uncertain significance (2). Last evaluated 2025-04-07.

Conditions:
Hereditary cancer-predisposing syndrome. Also called: Hereditary Cancer Syndrome; Hereditary neoplastic syndrome; Neoplastic Syndromes, Hereditary; Tumor predisposition. Identifiers: Orphanet 140162, MedGen C0027672, MeSH D009386, MONDO:0015356.
Bloom syndrome (BLM). Also called: Bloom-Torre-Machacek syndrome. Identifiers: Orphanet 125, MedGen C0005859, MONDO:0008876, OMIM 210900.

Submissions (2):

Labcorp Genetics (formerly Invitae), Labcorp
Classification: Uncertain significance for Bloom syndrome. Last evaluated: 2025-04-07. Review status: criteria provided, single submitter. Criteria: Invitae Variant Classification Sherloc (09022015). Collection method: clinical testing. Allele origin: germline.
Comment: This sequence change replaces asparagine, which is neutral and polar, with histidine, which is basic and polar, at codon 454 of the BLM protein (p.Asn454His). This variant is not present in population databases (gnomAD no frequency). This variant has not been reported in the literature in individuals affected with BLM-related conditions. ClinVar contains an entry for this variant (Variation ID: 1770823). Invitae Evidence Modeling of protein sequence and biophysical properties (such as structural, functional, and spatial information, amino acid conservation, physicochemical variation, residue mobility, and thermodynamic stability) indicates that this missense variant is not expected to disrupt BLM protein function with a negative predictive value of 80%. In summary, the available evidence is currently insufficient to determine the role of this variant in disease. Therefore, it has been classified as a Variant of Uncertain Significance.

Ambry Genetics
Classification: Uncertain significance for Hereditary cancer-predisposing syndrome. Last evaluated: 2020-08-10. Review status: criteria provided, single submitter. Criteria: Ambry Variant Classification Scheme 2023. Collection method: clinical testing. Allele origin: germline.
Comment: The p.N454H variant (also known as c.1360A>C), located in coding exon 6 of the BLM gene, results from an A to C substitution at nucleotide position 1360. The asparagine at codon 454 is replaced by histidine, an amino acid with similar properties. This amino acid position is poorly conserved in available vertebrate species. In addition, this alteration is predicted to be tolerated by in silico analysis. Since supporting evidence is limited at this time, the clinical significance of this alteration remains unclear.